The following is an entry in ClinVar:

ClinVar aggregate classification (germline): Likely pathogenic (1 of 4 stars; one submission).

Conditions:
Alagille syndrome due to a NOTCH2 point mutation. Also called: Alagille syndrome 2. Identifiers: Orphanet 261629, Orphanet 52, MedGen C1857761, MONDO:0012439, OMIM 610205.

Submission:

MVZ Medizinische Genetik Mainz
Classification: Likely pathogenic for Alagille syndrome due to a NOTCH2 point mutation. Last evaluated: 2026-06-22. Review status: criteria provided, single submitter. Criteria: UK Practice Guidelines For Variant Classification V4 01 2020. Collection method: clinical testing. Allele origin: germline. Inheritance: Autosomal dominant inheritance. Observed: 1 variant allele.
Comment: ACMG Criteria: PM1_STR,PM2_SUP,PP3

NM_024408.4(NOTCH2):c.1639T>A (p.Cys547Ser)

Gene: NOTCH2 (notch receptor 2; minus strand). Cytogenetic location: 1p12.
Variant type: single nucleotide variant.
Coding change: c.1639T>A on transcript NM_024408.4 (MANE Select); coding-DNA position 1639, T replaced by A.
Protein change: p.Cys547Ser; replaces cysteine 547 with serine.
Molecular consequence: missense variant.
Genome position (GRCh38, 1-based): chr1:119,965,495, A>T on the plus strand (T>A on the coding strand, the complement: NOTCH2 is on the minus strand). VCF-style: chr1-119965495-A-T. GRCh37 (hg19) VCF-style: chr1-120508118-A-T.
Other names: c.1639T>A, p.Cys547Ser (NM_001200001.2); short protein forms C547S.
Identifiers: ClinVar variation 4879846 (VCV004879846.1).
Genomic context (GRCh38, chr1:119,965,495, plus strand): 5'-AAGTGAGAAGAATCTTACCTGTGGCACACTGGCATTCATAGCCATTCGGGTGATCGATAC[A>T]CTTTGCCCCATTCAGACACGGAGTACTGGAACAGTCATCAATATCAATCTGGCAAACTGG-3'
Protein context (NP_077719.2, residues 537-557): SSTPCLNGAK[Cys547Ser]IDHPNGYECQ